The following is an entry in ClinVar:

NM_031885.5(BBS2):c.1910+1G>T

Gene: BBS2 (Bardet-Biedl syndrome 2; minus strand). Cytogenetic location: 16q13.
Variant type: single nucleotide variant.
Coding change: c.1910+1G>T on transcript NM_031885.5 (MANE Select); the canonical splice donor site of the intron after coding-DNA position 1910, G replaced by T.
Molecular consequence: splice donor variant.
Genome position (GRCh38, 1-based): chr16:56,496,966, C>A on the plus strand (G>T on the coding strand, the complement: BBS2 is on the minus strand). VCF-style: chr16-56496966-C-A. GRCh37 (hg19) VCF-style: chr16-56530878-C-A.
Other names: c.1910+1G>T (NM_001377456.1).
Identifiers: ClinVar variation 4063764 (VCV004063764.2).
Genomic context (GRCh38, chr16:56,496,966, plus strand): 5'-GCTATTCCATACTGCTCACATTTTTAACCCTGCACCTGTACTAACCATGACAAATACTCA[C>A]ATGTCCCTCATCAGACGAGCATCCTCAGCTCCGACCAGCAAACTTCGGATCAAATTAGAA-3'

ClinVar aggregate classification (germline): Pathogenic (1 of 4 stars; one submission).

Conditions:
Bardet-Biedl syndrome 2 (BBS2). Identifiers: Orphanet 110, MedGen C2936863, MONDO:0014432, OMIM 615981.

gnomAD v4.1: 1 of 1,608,836 alleles (0.000062%); highest among the groups gnomAD compares: Non-Finnish European, 0.000085%; no homozygotes.

Submission:

Natera, Inc.
Classification: Pathogenic for Bardet-Biedl syndrome type 2. Last evaluated: 2025-03-10. Review status: criteria provided, single submitter. Criteria: Natera Variant Classification Schema (03/2026). Collection method: clinical testing. Allele origin: germline.
Comment: The c.1910+1G>T variant in BBS2 is a canonical splice donor site variant predicted to affect pre-mRNA splicing, which may result in an abnormal transcript and altered protein product. This variant is expected to result in nonsense mediated decay, truncation, or a dysfunctional protein product. This variant is rare in the general population with a frequency below the threshold expected for the associated phenotype(s). This variant has been observed in one or more individuals affected with the associated recessive disease, as either homozygous or compound heterozygous with a second variant (PMID: 24849935). Given the available evidence, this variant is classified as Pathogenic.

Literature cited by the submitters: PubMed 24849935.